The following is an entry in ClinVar:

NM_001111125.3(IQSEC2):c.3365G>A (p.Arg1122His)

Gene: IQSEC2 (IQ motif and Sec7 domain ArfGEF 2; minus strand). Cytogenetic location: Xp11.22.
Variant type: single nucleotide variant.
Coding change: c.3365G>A on transcript NM_001111125.3 (MANE Select); coding-DNA position 3365, G replaced by A.
Protein change: p.Arg1122His; replaces arginine 1122 with histidine.
Molecular consequence: missense variant.
Genome position (GRCh38, 1-based): chrX:53,236,408, C>T on the plus strand (G>A on the coding strand, the complement: IQSEC2 is on the minus strand). VCF-style: chrX-53236408-C-T. GRCh37 (hg19) VCF-style: chrX-53265590-C-T.
Other names: c.2750G>A, p.Arg917His (NM_015075.2); short protein forms R917H, R1122H.
Identifiers: ClinVar variation 1345014 (VCV001345014.14), dbSNP rs868984872, ClinGen allele CA413144736.
Genomic context (GRCh38, chrX:53,236,408, plus strand): 5'-CTGCTGAGTGCGCCCCGTTTGAGCCCATCGCCTGCCCCGTAAGTGTCCTCCAGGCTACTG[C>T]GGGCCATCGTCCCATTCACTGAGTCCTTGGCCCCTCCAGGCTGTGAGGCGTTAGGCCGCA-3'
Protein context (NP_001104595.1, residues 1112-1132): AKDSVNGTMA[Arg1122His]SSLEDTYGAG

ClinVar aggregate classification (germline): Conflicting classifications of pathogenicity. Review status: criteria provided, conflicting classifications (1 of 4 stars). 5 submissions from 5 submitters: Uncertain significance (3); Benign (1); Likely benign (1). Last evaluated 2025-04-01.

Conditions:
Intellectual developmental disorder, X-linked 1. Also called: Atkin Flaitz Patil Smith syndrome; Intellectual disability, X-linked 1; MENTAL RETARDATION, X-LINKED 18; MENTAL RETARDATION, X-LINKED 78. Identifiers: Orphanet 777, MedGen C2931498, MONDO:0010656, OMIM 309530.

Allele frequency attached by ClinVar (database versions not stated): gnomAD exomes 0.00001.
gnomAD v4.1: 17 of 1,204,765 alleles (0.0014%); highest among the groups gnomAD compares: Non-Finnish European, 0.0016%; no homozygotes.

Submissions (5):

CeGaT Center for Human Genetics Tuebingen
Classification: Likely benign. Last evaluated: 2025-04-01. Review status: criteria provided, single submitter. Criteria: CeGaT Center For Human Genetics Tuebingen Variant Classification Criteria Version 2. Collection method: clinical testing. Allele origin: germline. Affected: yes. Observed: 1 variant allele.
Comment: IQSEC2: PP2, BS2

Labcorp Genetics (formerly Invitae), Labcorp
Classification: Benign for Intellectual developmental disorder, X-linked 1. Last evaluated: 2024-10-29. Review status: criteria provided, single submitter. Criteria: Invitae Variant Classification Sherloc (09022015). Collection method: clinical testing. Allele origin: germline.

Laboratory of Medical Genetics, University of Torino
Classification: Uncertain significance for Intellectual developmental disorder, X-linked 1. Last evaluated: 2022-11-29. Review status: criteria provided, single submitter. Criteria: ACMG Guidelines, 2015. Collection method: research. Allele origin: germline. Affected: yes. Study: NeuroWES.

Blueprint Genetics
Classification: Uncertain significance. Last evaluated: 2022-07-27. Review status: criteria provided, single submitter. Criteria: ACMG Guidelines, 2015. Collection method: clinical testing. Allele origin: germline.

GeneDx
Classification: Uncertain significance. Last evaluated: 2022-03-16. Review status: criteria provided, single submitter. Criteria: GeneDx Variant Classification Process June 2021. Collection method: clinical testing. Allele origin: germline. Affected: yes.
Comment: In silico analysis supports that this missense variant has a deleterious effect on protein structure/function; Has not been previously published as pathogenic or benign to our knowledge